The following is an entry in ClinVar:

NM_007294.4(BRCA1):c.5043_5044insTAAT (p.Glu1682Ter)

Gene: BRCA1 (BRCA1 DNA repair associated; minus strand). Cytogenetic location: 17q21.31.
Variant type: Insertion.
Coding change: c.5043_5044insTAAT on transcript NM_007294.4 (MANE Select); coding-DNA positions 5043 to 5044, TAAT inserted.
Protein change: p.Glu1682Ter; replaces glutamic acid 1682 with a stop codon.
Molecular consequence: nonsense. On other transcripts: frameshift variant (365), non-coding transcript variant (1).
Genome position: GRCh38 VCF-style: chr17-43067638-C-CATTA. GRCh37 (hg19) VCF-style: chr17-41219655-C-CATTA.
Other names: c.5043_5044insTAAT, p.Glu1682Ter (NM_007294.3); c.4961_4962insTTAA, p.Glu1655Terfs (NM_001407656.1, NM_001407657.1, NM_001407658.1); c.4958_4959insTTAA, p.Glu1654Terfs (NM_001407659.1, NM_001407660.1, NM_001407661.1 and 2 more transcripts); c.4919_4920insTTAA, p.Glu1641Terfs (NM_001407664.1, NM_001407665.1, NM_001407666.1 and 6 more transcripts); c.4916_4917insTTAA, p.Glu1640Terfs (NM_001407670.1, NM_001407671.1, NM_001407672.1 and 11 more transcripts); c.4913_4914insTTAA, p.Glu1639Terfs (NM_001407681.1, NM_001407682.1, NM_001407683.1 and 6 more transcripts); c.5042_5043insTTAA, p.Glu1682Terfs (NM_001407684.1, NM_001407593.1, NM_001407594.1 and 8 more transcripts); c.4910_4911insTTAA, p.Glu1638Terfs (NM_001407690.1, NM_001407691.1); and 74 more; short protein forms E578*, E1703*, E1635*, E1682*.
Identifiers: ClinVar variation 548318 (VCV000548318.2), dbSNP rs1555579675, ClinGen allele CA658824725.

ClinVar aggregate classification (germline): Pathogenic (3 of 4 stars; one submission).

Conditions:
Breast-ovarian cancer, familial, susceptibility to, 1 (BROVCA1). Also called: BRCA1 Hereditary Breast and Ovarian Cancer; OVARIAN CANCER, SUSCEPTIBILITY TO. Identifiers: Orphanet 145, MedGen C2676676, MONDO:0011450, OMIM 604370. Disease mechanism: loss of function.

Submission:

Evidence-based Network for the Interpretation of Germline Mutant Alleles (ENIGMA)
Classification: Pathogenic for Breast-ovarian cancer, familial, susceptibility to, 1. Last evaluated: 2017-12-15. Review status: reviewed by expert panel. Criteria: ENIGMA BRCA1/2 Classification Criteria (2017-06-29). Collection method: curation. Allele origin: germline. Study: ENIGMA.
Comment: Variant allele predicted to encode a truncated non-functional protein.